The following is an entry in ClinVar:

ClinVar aggregate classification (germline): Conflicting classifications of pathogenicity. Review status: criteria provided, conflicting classifications (1 of 4 stars). 3 submissions from 3 submitters: Uncertain significance (2); Likely benign (1). Last evaluated 2025-12-24.

Conditions:
Inborn genetic diseases. Identifiers: MedGen C0950123, MeSH D030342.
Combined immunodeficiency due to DOCK8 deficiency (HIES2). Also called: HIES autosomal recessive; HYPER-IgE RECURRENT INFECTION SYNDROME 2, AUTOSOMAL RECESSIVE; DOCK8 Deficiency; HYPER-IgE SYNDROME 2, AUTOSOMAL RECESSIVE, WITH RECURRENT INFECTIONS; Hyper-IgE recurrent infection syndrome, autosomal recessive. Identifiers: Orphanet 217390, MedGen C4722305, MONDO:0009478, OMIM 243700.

Allele frequency attached by ClinVar (database versions not stated): gnomAD exomes 0.00007 and 0.00019; ESP Exome Variant Server 0.00029; ExAC 0.00035; 1000 Genomes Project 30x 0.00062; 1000 Genomes Project 0.00080; gnomAD 0.00094 and 0.00103; TOPMed 0.00102.
gnomAD v4.1: 258 of 1,583,204 alleles (0.016%); highest among the groups gnomAD compares: African/African-American, 0.32%; no homozygotes.

Submissions (3):

Labcorp Genetics (formerly Invitae), Labcorp
Classification: Likely benign for Combined immunodeficiency due to DOCK8 deficiency. Last evaluated: 2025-12-24. Review status: criteria provided, single submitter. Criteria: Invitae Variant Classification Sherloc (09022015). Collection method: clinical testing. Allele origin: germline.

GeneDx
Classification: Uncertain significance. Last evaluated: 2022-01-31. Review status: criteria provided, single submitter. Criteria: GeneDx Variant Classification Process June 2021. Collection method: clinical testing. Allele origin: germline. Affected: yes.
Comment: In silico analysis, which includes protein predictors and evolutionary conservation, supports a deleterious effect; Has not been previously published as pathogenic or benign to our knowledge

Ambry Genetics
Classification: Uncertain significance for Inborn genetic diseases. Last evaluated: 2015-10-07. Review status: criteria provided, single submitter. Criteria: Ambry exome assertion method (8-5-2015). Collection method: clinical testing. Allele origin: germline. Affected: yes. Observed: 1 variant allele.

NM_203447.4(DOCK8):c.52A>G (p.Arg18Gly)

Genes: DOCK8-AS1 (DOCK8 antisense RNA 1; minus strand), DOCK8 (dedicator of cytokinesis 8; plus strand), LOC130001437 (ATAC-STARR-seq lymphoblastoid silent region 19722; plus strand). Cytogenetic location: 9p24.3.
Variant type: single nucleotide variant.
Coding change: c.52A>G on transcript NM_203447.4 (MANE Select); coding-DNA position 52, A replaced by G.
Protein change: p.Arg18Gly; replaces arginine 18 with glycine.
Molecular consequence: missense variant. On other transcripts: non-coding transcript variant (1).
Genome position (GRCh38, 1-based): chr9:215,028, A>G. VCF-style: chr9-215028-A-G. GRCh37 (hg19) VCF-style: chr9-215028-A-G.
Other names: short protein forms R18G.
Identifiers: ClinVar variation 429234 (VCV000429234.17), dbSNP rs200689054, ClinGen allele CA4956918.